The following is an entry in ClinVar:

NM_001042492.3(NF1):c.2665dup (p.Thr889fs)

Gene: NF1 (neurofibromin 1; plus strand). Cytogenetic location: 17q11.2.
Variant type: Duplication.
Coding change: c.2665dup on transcript NM_001042492.3 (MANE Select); coding-DNA position 2665, one base duplicated (A; older notation c.2665dupA).
Protein change: p.Thr889fs; shifts the reading frame from threonine 889.
Molecular consequence: frameshift variant.
Genome position (GRCh38, 1-based): chr17:31,229,280, A duplicated. VCF-style (leftmost placement, unchanged base first): chr17-31229279-T-TA. GRCh37 (hg19) VCF-style: chr17-29556297-T-TA.
Other names: c.2665dupA (NM_000267.3); c.2665dup, p.Thr889Asnfs (NM_000267.4); short protein forms T889fs.
Identifiers: ClinVar variation 280056 (VCV000280056.13), dbSNP rs886041348, ClinGen allele CA10603592.

ClinVar aggregate classification (germline): Pathogenic/Likely pathogenic. Review status: criteria provided, multiple submitters, no conflicts (2 of 4 stars). 7 submissions from 7 submitters: Pathogenic (5); Likely pathogenic (2). Last evaluated 2025-08-30.

Conditions:
Neurofibromatosis, type 1 (NF1). Also called: Peripheral type neurofibromatosis; Neurofibromatosis, type I; NEUROFIBROMATOSIS, TYPE I, SOMATIC; VON RECKLINGHAUSEN DISEASE. Identifiers: Orphanet 636, MedGen C0027831, MONDO:0018975, OMIM 162200. Disease mechanism: loss of function.
Hereditary cancer-predisposing syndrome. Also called: Hereditary neoplastic syndrome; Neoplastic Syndromes, Hereditary; Tumor predisposition; Hereditary Cancer Syndrome. Identifiers: Orphanet 140162, MedGen C0027672, MeSH D009386, MONDO:0015356.
Cardiovascular phenotype. Identifiers: MedGen CN230736.
Neurofibromatosis, familial spinal (FSNF). Identifiers: Orphanet 636, MedGen C1834235, MONDO:0008078, OMIM 162210. Disease mechanism: loss of function.
Juvenile myelomonocytic leukemia (JMML). Also called: LEUKEMIA, JUVENILE MYELOMONOCYTIC, SOMATIC. Identifiers: Orphanet 86834, MedGen C0349639, MONDO:0011908, OMIM 607785, HP:0012209.
Neurofibromatosis-Noonan syndrome (NFNS). Also called: NEUROFIBROMATOSIS WITH NOONAN PHENOTYPE. Identifiers: Orphanet 638, MedGen C2931482, MONDO:0011035, OMIM 601321. Disease mechanism: loss of function.
Café-au-lait macules with pulmonary stenosis (WTSN). Also called: PULMONIC STENOSIS WITH CAFE-AU-LAIT SPOTS. Identifiers: MedGen C0553586, MONDO:0008672, OMIM 193520.

Submissions (7):

Labcorp Genetics (formerly Invitae), Labcorp
Classification: Pathogenic for Neurofibromatosis, type 1. Last evaluated: 2025-08-30. Review status: criteria provided, single submitter. Criteria: Invitae Variant Classification Sherloc (09022015). Collection method: clinical testing. Allele origin: germline.
Comment: This sequence change creates a premature translational stop signal (p.Thr889Asnfs*17) in the NF1 gene. It is expected to result in an absent or disrupted protein product. Loss-of-function variants in NF1 are known to be pathogenic (PMID: 10712197, 23913538). This variant is not present in population databases (gnomAD no frequency). This premature translational stop signal has been observed in individual(s) with neurofibromatosis type 1 (PMID: 23913538). Invitae Evidence Modeling of clinical and family history, age, sex, and reported ancestry of multiple individuals with this NF1 variant has been performed. This variant is expected to be pathogenic with a positive predictive value of at least 99%. This is a validated machine learning model that incorporates the clinical features of 1,785,918 individuals referred to our laboratory for NF1 testing. ClinVar contains an entry for this variant (Variation ID: 280056). For these reasons, this variant has been classified as Pathogenic.

GeneDx
Classification: Pathogenic. Last evaluated: 2024-08-13. Review status: criteria provided, single submitter. Criteria: GeneDx Variant Classification Process June 2021. Collection method: clinical testing. Allele origin: germline. Affected: yes.
Comment: Frameshift variant predicted to result in protein truncation or nonsense mediated decay in a gene for which loss of function is a known mechanism of disease; Not observed at significant frequency in large population cohorts (gnomAD); This variant is associated with the following publications: (PMID: 23913538)

Women's Health and Genetics/Laboratory Corporation of America, LabCorp
Classification: Pathogenic for Neurofibromatosis, type 1. Last evaluated: 2023-08-14. Review status: criteria provided, single submitter. Criteria: LabCorp Variant Classification Summary - May 2015. Collection method: clinical testing. Allele origin: germline.
Comment: Variant summary: NF1 c.2665dupA (p.Thr889AsnfsX17) results in a premature termination codon, predicted to cause a truncation of the encoded protein or absence of the protein due to nonsense mediated decay, which are commonly known mechanisms for disease. The variant was absent in 251138 control chromosomes (gnomAD). c.2665dupA has been reported in the literature in individuals affected with Neurofibromatosis Type 1 (e.g., Sabbagh_2013). These data suggest the variant is very likely to be associated with disease. The following publication was ascertained in the context of this evaluation (PMID: 23913538). Five submitters have reported clinical-significance assessments for this variant to ClinVar after 2014. All submitters classified the variant as pathogenic/likely pathogenic. Based on the evidence outlined above, the variant was classified as pathogenic.

Genome-Nilou Lab
Classification: Likely pathogenic for Neurofibromatosis, type 1. Last evaluated: 2022-03-15. Review status: criteria provided, single submitter. Criteria: ACMG Guidelines, 2015. Collection method: clinical testing. Allele origin: germline. Affected: no.

Ambry Genetics
Classification: Pathogenic for Cardiovascular phenotype; Hereditary cancer-predisposing syndrome. Last evaluated: 2021-12-16. Review status: criteria provided, single submitter. Criteria: Ambry Variant Classification Scheme 2023. Collection method: clinical testing. Allele origin: germline.
Comment: The c.2665dupA pathogenic mutation, located in coding exon 21 of the NF1 gene, results from a duplication of A at nucleotide position 2665, causing a translational frameshift with a predicted alternate stop codon (p.T889Nfs*17). This alteration was identified in one individual from a cohort of 521 German and Turkish patients with a clinical diagnosis of neurofibromatosis type I as well as one of 565 unrelated French probands with clinical diagnoses or suspicion of NF1 (Fahsold R et al. Am J Hum Genet, 2000 Mar;66:790-818; Sabbagh A et al. Hum Mutat, 2013 Nov;34:1510-8). This variant is considered to be rare based on population cohorts in the Genome Aggregation Database (gnomAD). In addition to the clinical data presented in the literature, this alteration is expected to result in loss of function by premature protein truncation or nonsense-mediated mRNA decay. As such, this alteration is interpreted as a disease-causing mutation.

Center for Human Genetics, Inc
Classification: Likely pathogenic for Neurofibromatosis, type 1. Last evaluated: 2016-11-01. Review status: criteria provided, single submitter. Criteria: ACMG Guidelines, 2015. Collection method: clinical testing. Allele origin: germline. Affected: yes.

Juno Genomics, Hangzhou Juno Genomics, Inc
Classification: Pathogenic for Neurofibromatosis, type 1; Juvenile myelomonocytic leukemia; Neurofibromatosis, familial spinal; Neurofibromatosis-Noonan syndrome; Café-au-lait macules with pulmonary stenosis. Review status: criteria provided, single submitter. Criteria: ACMG Guidelines, 2015. Collection method: clinical testing. Allele origin: germline. Affected: yes.
Comment: Absent from controls (or at extremely low frequency if recessive) in Genome Aggregation Database, Exome Sequencing Project, 1000 Genomes Project, or Exome Aggregation Consortium.;Null variant in a gene where loss of function (LOF) is a known mechanism of disease.;The prevalence of the variant in affected individuals is significantly increased compared to the prevalence in controls.;De novo (both maternity and paternity confirmed) in a patient with the disease and no family history.

Literature cited by the submitters: PubMed 10712197 (cited by Labcorp Genetics (formerly Invitae), Labcorp); PubMed 23913538 (cited by Labcorp Genetics (formerly Invitae), Labcorp and Women's Health and Genetics/Laboratory Corporation of America, LabCorp); PubMed 10678181 (cited by Women's Health and Genetics/Laboratory Corporation of America, LabCorp); PubMed 23460398 (cited by Women's Health and Genetics/Laboratory Corporation of America, LabCorp); PubMed 29872168 (cited by Women's Health and Genetics/Laboratory Corporation of America, LabCorp); PubMed 27069254 (cited by Women's Health and Genetics/Laboratory Corporation of America, LabCorp).